The following is an entry in ClinVar:

NM_001197104.2(KMT2A):c.7549G>A (p.Ala2517Thr)

Gene: KMT2A (lysine methyltransferase 2A; plus strand). Cytogenetic location: 11q23.3.
Variant type: single nucleotide variant.
Coding change: c.7549G>A on transcript NM_001197104.2 (MANE Select); coding-DNA position 7549, G replaced by A.
Protein change: p.Ala2517Thr; replaces alanine 2517 with threonine.
Molecular consequence: missense variant.
Genome position (GRCh38, 1-based): chr11:118,503,441, G>A. VCF-style: chr11-118503441-G-A. GRCh37 (hg19) VCF-style: chr11-118374156-G-A.
Other names: c.7639G>A, p.Ala2547Thr (NM_001412597.1); c.7540G>A, p.Ala2514Thr (NM_005933.4); short protein forms A2514T, A2517T, A2547T.
Identifiers: ClinVar variation 2413026 (VCV002413026.3), dbSNP rs2134392728, ClinGen allele CA382805992.

ClinVar aggregate classification (germline): Uncertain significance (1 of 4 stars; one submission).

Submission:

GeneDx
Classification: Uncertain significance. Last evaluated: 2022-07-28. Review status: criteria provided, single submitter. Criteria: GeneDx Variant Classification Process June 2021. Collection method: clinical testing. Allele origin: germline. Affected: yes.
Comment: Not observed at significant frequency in large population cohorts (gnomAD); In silico analysis supports that this missense variant does not alter protein structure/function; Has not been previously published as pathogenic or benign to our knowledge